The following is an entry in ClinVar:

NM_006379.5(SEMA3C):c.510C>T (p.Pro170=)

Gene: SEMA3C (semaphorin 3C; minus strand). Cytogenetic location: 7q21.11.
Variant type: single nucleotide variant.
Coding change: c.510C>T on transcript NM_006379.5 (MANE Select); coding-DNA position 510, C replaced by T.
Protein change: p.Pro170=; no amino-acid change (proline 170 retained).
Molecular consequence: synonymous variant.
Genome position (GRCh38, 1-based): chr7:80,810,639, G>A on the plus strand (C>T on the coding strand, the complement: SEMA3C is on the minus strand). VCF-style: chr7-80810639-G-A. GRCh37 (hg19) VCF-style: chr7-80439955-G-A.
Other names: c.564C>T, p.Pro188= (NM_001350120.2); c.336C>T, p.Pro112= (NM_001350121.2).
Identifiers: ClinVar variation 4991573 (VCV004991573.1).

ClinVar aggregate classification (germline): Uncertain significance (1 of 4 stars; one submission).

Conditions:
SEMA3C-related disorder. Also called: SEMA3C-related condition.

Submission:

PreventionGenetics, part of Exact Sciences
Classification: Uncertain significance for SEMA3C-related condition. Last evaluated: 2025-10-31. Review status: criteria provided, single submitter. Criteria: ACMG Guidelines, 2015. Collection method: clinical testing. Allele origin: germline.
Comment: The SEMA3C c.564C>T variant is not predicted to result in an amino acid change (p.=). This variant is predicted to alter splicing based on available splicing prediction programs (SpliceAI, Jaganathan et al. 2019. PubMed ID: 30661751). However, the use of computer prediction programs is not equivalent to functional evidence. To our knowledge, this variant has not been reported in the literature or in a large population database (gnomAD), indicating this variant is rare. At this time, the clinical significance of this variant is uncertain due to the absence of conclusive functional and genetic evidence.